The following is an entry in ClinVar:

NM_016616.5(NME8):c.1017del (p.Asp340fs)

Gene: NME8 (NME/NM23 family member 8; plus strand). Cytogenetic location: 7p14.1.
Variant type: Deletion.
Coding change: c.1017del on transcript NM_016616.5 (MANE Select); coding-DNA position 1017, one base deleted (A; older notation c.1017delA).
Protein change: p.Asp340fs; shifts the reading frame from aspartic acid 340.
Molecular consequence: frameshift variant.
Genome position (GRCh38, 1-based): chr7:37,884,325, A deleted; the last of 3 consecutive A bases (chr7:37,884,323-37,884,325); deleting any one gives the same sequence. VCF-style (leftmost placement, unchanged base first): chr7-37884322-TA-T. GRCh37 (hg19) VCF-style: chr7-37923924-TA-T.
Other names: short protein forms D340fs.
Identifiers: ClinVar variation 2727871 (VCV002727871.3), dbSNP rs2483657763, ClinGen allele CA913189102.

ClinVar aggregate classification (germline): Uncertain significance (1 of 4 stars; one submission).

Conditions:
Primary ciliary dyskinesia 6. Also called: Primary Ciliary Dyskinesia 6: TXNDC3-Related Primary Ciliary Dyskinesia. Identifiers: Orphanet 244, MedGen C1970506, MONDO:0012571, OMIM 610852.

Submission:

Labcorp Genetics (formerly Invitae), Labcorp
Classification: Uncertain significance for Primary ciliary dyskinesia 6. Last evaluated: 2023-10-06. Review status: criteria provided, single submitter. Criteria: Invitae Variant Classification Sherloc (09022015). Collection method: clinical testing. Allele origin: germline.
Comment: This sequence change creates a premature translational stop signal (p.Asp340Metfs*12) in the NME8 gene. It is expected to result in an absent or disrupted protein product. However, the current clinical and genetic evidence is not sufficient to establish whether loss-of-function variants in NME8 cause disease. This variant is not present in population databases (gnomAD no frequency). This variant has not been reported in the literature in individuals affected with NME8-related conditions. In summary, the available evidence is currently insufficient to determine the role of this variant in disease. Therefore, it has been classified as a Variant of Uncertain Significance.